The following is an entry in ClinVar:

ClinVar aggregate classification (germline): Uncertain significance. Review status: criteria provided, multiple submitters, no conflicts (2 of 4 stars). 2 submissions from 2 submitters: Uncertain significance (2). Last evaluated 2023-04-07.

Conditions:
ELN-related disorder.
Supravalvar aortic stenosis (SVAS). Also called: Supravalvar aortic stenosis, Eisenberg type. Identifiers: Orphanet 3193, MedGen C0003499, MONDO:0008504, OMIM 185500, HP:0004381.

Allele frequency attached by ClinVar (database versions not stated): ExAC 0.00001.

Submissions (2):

PreventionGenetics, part of Exact Sciences
Classification: Uncertain significance for ELN-related condition. Last evaluated: 2023-04-07. Review status: criteria provided, single submitter. Criteria: ACMG Guidelines, 2015. Collection method: clinical testing. Allele origin: germline.
Comment: The ELN c.1745C>T variant is predicted to result in the amino acid substitution p.Ala582Val. Additionally, this variant is located near the exon/intron boundary and is predicted to abolish the canonical splice donor site and create a cryptic splice donor site that would lead to a frameshift based on available splicing prediction programs (Alamut Visual Plus v1.6.1). However, such computer prediction programs are imperfect. To our knowledge, this variant has not been reported in the literature or in a large population database, indicating this variant is rare. Although we suspect that this variant may be pathogenic, at this time, the clinical significance of this variant is uncertain due to the absence of conclusive functional and genetic evidence.

Labcorp Genetics (formerly Invitae), Labcorp
Classification: Uncertain significance for Supravalvar aortic stenosis. Last evaluated: 2021-12-17. Review status: criteria provided, single submitter. Criteria: Invitae Variant Classification Sherloc (09022015). Collection method: clinical testing. Allele origin: germline.
Comment: This sequence change replaces alanine, which is neutral and non-polar, with valine, which is neutral and non-polar, at codon 611 of the ELN protein (p.Ala611Val). This variant is not present in population databases (gnomAD no frequency). This missense change has been observed in individual(s) with clinical features of ELN-related conditions (Invitae). Algorithms developed to predict the effect of missense changes on protein structure and function are either unavailable or do not agree on the potential impact of this missense change (SIFT: "Tolerated"; PolyPhen-2: "Not Available"; Align-GVGD: "Class C0"). Algorithms developed to predict the effect of sequence changes on RNA splicing suggest that this variant may create or strengthen a splice site. In summary, the available evidence is currently insufficient to determine the role of this variant in disease. Therefore, it has been classified as a Variant of Uncertain Significance.

NM_000501.4(ELN):c.1745C>T (p.Ala582Val)

Genes: ELN-AS1 (ELN antisense RNA 1; minus strand), ELN (elastin; plus strand). Cytogenetic location: 7q11.23.
Variant type: single nucleotide variant.
Coding change: c.1745C>T on transcript NM_000501.4 (MANE Select); coding-DNA position 1745, C replaced by T.
Protein change: p.Ala582Val; replaces alanine 582 with valine.
Molecular consequence: missense variant.
Genome position (GRCh38, 1-based): chr7:74,060,499, C>T. VCF-style: chr7-74060499-C-T. GRCh37 (hg19) VCF-style: chr7-73474829-C-T.
Other names: c.1658C>T, p.Ala553Val (NM_001081752.3); c.1703C>T, p.Ala568Val (NM_001081753.3); c.1760C>T, p.Ala587Val (NM_001081754.3); c.1688C>T, p.Ala563Val (NM_001081755.3); c.1745C>T, p.Ala582Val (NM_001278912.2); c.1502C>T, p.Ala501Val (NM_001278913.2); c.1673C>T, p.Ala558Val (NM_001278914.2); c.1763C>T, p.Ala588Val (NM_001278915.2); and 5 more; short protein forms A568V, A572V, A587V, A534V, A553V, A582V, A611V, A501V.
Identifiers: ClinVar variation 1914787 (VCV001914787.6), dbSNP rs782259514, ClinGen allele CA4293171.
Genomic context (GRCh38, chr7:74,060,499, plus strand): 5'-TTGGAGTTGGTGCTGGTGTTCCTGGACTTGGAGTTGGTGCTGGTGTTCCTGGCTTCGGGG[C>T]AGGTGCAGATGAGGGAGTTAGGCGGAGCCTGTCCCCTGAGCTCAGGGAAGGAGATCCCTC-3'
Protein context (NP_000492.2, residues 572-592): GVGAGVPGFG[Ala582Val]VPGALAAAKA